The following is an entry in ClinVar:

NM_001291303.3(FAT4):c.791T>A (p.Val264Asp)

Gene: FAT4 (FAT atypical cadherin 4; plus strand). Cytogenetic location: 4q28.1.
Variant type: single nucleotide variant.
Coding change: c.791T>A on transcript NM_001291303.3 (MANE Select); coding-DNA position 791, T replaced by A.
Protein change: p.Val264Asp; replaces valine 264 with aspartic acid.
Molecular consequence: missense variant.
Genome position (GRCh38, 1-based): chr4:125,317,202, T>A. VCF-style: chr4-125317202-T-A. GRCh37 (hg19) VCF-style: chr4-126238357-T-A.
Other names: c.791T>A, p.Val264Asp (NM_001291285.3, NM_024582.6); short protein forms V264D.
Identifiers: ClinVar variation 1466249 (VCV001466249.5), dbSNP rs746534343, ClinGen allele CA3071867.

ClinVar aggregate classification (germline): Uncertain significance (1 of 4 stars; one submission).

Allele frequency attached by ClinVar (database versions not stated): ExAC 0.00001; gnomAD exomes 0.00001; TOPMed 0.00002.
gnomAD v4.1: 6 of 1,592,696 alleles (0.00038%); highest among the groups gnomAD compares: Non-Finnish European, 0.00051%; no homozygotes.

Submission:

Labcorp Genetics (formerly Invitae), Labcorp
Classification: Uncertain significance. Last evaluated: 2022-07-19. Review status: criteria provided, single submitter. Criteria: Invitae Variant Classification Sherloc (09022015). Collection method: clinical testing. Allele origin: germline.
Comment: This sequence change replaces valine, which is neutral and non-polar, with aspartic acid, which is acidic and polar, at codon 264 of the FAT4 protein (p.Val264Asp). This variant is present in population databases (rs746534343, gnomAD 0.003%). This variant has not been reported in the literature in individuals affected with FAT4-related conditions. ClinVar contains an entry for this variant (Variation ID: 1466249). Advanced modeling of protein sequence and biophysical properties (such as structural, functional, and spatial information, amino acid conservation, physicochemical variation, residue mobility, and thermodynamic stability) performed at Invitae indicates that this missense variant is not expected to disrupt FAT4 protein function. In summary, the available evidence is currently insufficient to determine the role of this variant in disease. Therefore, it has been classified as a Variant of Uncertain Significance.